The following is an entry in ClinVar:

NM_001042492.3(NF1):c.2359G>A (p.Ala787Thr)

Gene: NF1 (neurofibromin 1; plus strand). Cytogenetic location: 17q11.2.
Variant type: single nucleotide variant.
Coding change: c.2359G>A on transcript NM_001042492.3 (MANE Select); coding-DNA position 2359, G replaced by A.
Protein change: p.Ala787Thr; replaces alanine 787 with threonine.
Molecular consequence: missense variant.
Genome position (GRCh38, 1-based): chr17:31,227,556, G>A. VCF-style: chr17-31227556-G-A. GRCh37 (hg19) VCF-style: chr17-29554574-G-A.
Other names: c.2359G>A, p.Ala787Thr (NM_000267.4); short protein forms A787T.
Identifiers: ClinVar variation 1036218 (VCV001036218.5), dbSNP rs2067038399, ClinGen allele CA398983140.

ClinVar aggregate classification (germline): Uncertain significance (1 of 4 stars; one submission).

Conditions:
Neurofibromatosis, type 1 (NF1). Also called: NEUROFIBROMATOSIS, TYPE I, SOMATIC; VON RECKLINGHAUSEN DISEASE; Peripheral type neurofibromatosis; Neurofibromatosis, type I. Identifiers: Orphanet 636, MedGen C0027831, MONDO:0018975, OMIM 162200. Disease mechanism: loss of function.

Submission:

Labcorp Genetics (formerly Invitae), Labcorp
Classification: Uncertain significance for Neurofibromatosis, type 1. Last evaluated: 2023-03-07. Review status: criteria provided, single submitter. Criteria: Invitae Variant Classification Sherloc (09022015). Collection method: clinical testing. Allele origin: germline.
Comment: This sequence change replaces alanine, which is neutral and non-polar, with threonine, which is neutral and polar, at codon 787 of the NF1 protein (p.Ala787Thr). This variant is not present in population databases (gnomAD no frequency). This variant has not been reported in the literature in individuals affected with NF1-related conditions. ClinVar contains an entry for this variant (Variation ID: 1036218). Advanced modeling of protein sequence and biophysical properties (such as structural, functional, and spatial information, amino acid conservation, physicochemical variation, residue mobility, and thermodynamic stability) performed at Invitae indicates that this missense variant is not expected to disrupt NF1 protein function. In summary, the available evidence is currently insufficient to determine the role of this variant in disease. Therefore, it has been classified as a Variant of Uncertain Significance.